The following is an entry in ClinVar:

NM_153240.5(NPHP3):c.1322A>G (p.Tyr441Cys)

Genes: NPHP3 (nephrocystin 3; minus strand), NPHP3-ACAD11 (NPHP3-ACAD11 readthrough (NMD candidate); minus strand). Cytogenetic location: 3q22.1.
Variant type: single nucleotide variant.
Coding change: c.1322A>G on transcript NM_153240.5 (MANE Select); coding-DNA position 1322, A replaced by G.
Protein change: p.Tyr441Cys; replaces tyrosine 441 with cysteine.
Molecular consequence: missense variant. On other transcripts: non-coding transcript variant (1).
Genome position (GRCh38, 1-based): chr3:132,705,768, T>C on the plus strand (A>G on the coding strand, the complement: NPHP3 is on the minus strand). VCF-style: chr3-132705768-T-C. GRCh37 (hg19) VCF-style: chr3-132424612-T-C.
Other names: short protein forms Y441C.
Identifiers: ClinVar variation 1039978 (VCV001039978.9), dbSNP rs1939731078, ClinGen allele CA354584863.

ClinVar aggregate classification (germline): Uncertain significance. Review status: criteria provided, multiple submitters, no conflicts (2 of 4 stars). 2 submissions from 2 submitters: Uncertain significance (2). Last evaluated 2022-02-02.

Conditions:
Nephronophthisis. Also called: Juvenile Nephronophthisis. Identifiers: Orphanet 655, MedGen C0687120, MONDO:0019005, HP:0000090.
Nephronophthisis 3 (NPHP3). Also called: Adolescent nephronophthisis. Identifiers: Orphanet 655, MedGen C1858392, MONDO:0011456, OMIM 604387.
Renal-hepatic-pancreatic dysplasia 1 (RHPD1). Identifiers: MedGen C3715199, MONDO:0008833, OMIM 208540.
NPHP3-related Meckel-like syndrome. Also called: Meckel syndrome type 7; GOLDSTON SYNDROME. Identifiers: Orphanet 3032, MedGen C2673885, MONDO:0009966, OMIM 267010.

Allele frequency attached by ClinVar (database versions not stated): gnomAD exomes below 0.00001.
gnomAD v4.1: 1 of 1,485,140 alleles (0.000067%); highest among the groups gnomAD compares: Non-Finnish European, 0.000094%; no homozygotes.

Submissions (2):

Fulgent Genetics
Classification: Uncertain significance for Renal-hepatic-pancreatic dysplasia 1; NPHP3-related Meckel-like syndrome; Nephronophthisis 3. Last evaluated: 2022-02-02. Review status: criteria provided, single submitter. Criteria: ACMG Guidelines, 2015. Collection method: clinical testing. Allele origin: unknown.

Labcorp Genetics (formerly Invitae), Labcorp
Classification: Uncertain significance for Nephronophthisis. Last evaluated: 2020-03-16. Review status: criteria provided, single submitter. Criteria: Invitae Variant Classification Sherloc (09022015). Collection method: clinical testing. Allele origin: germline.
Comment: Algorithms developed to predict the effect of missense changes on protein structure and function are either unavailable or do not agree on the potential impact of this missense change (SIFT: "Deleterious"; PolyPhen-2: "Possibly Damaging"; Align-GVGD: "Class C0"). This sequence change replaces tyrosine with cysteine at codon 441 of the NPHP3 protein (p.Tyr441Cys). The tyrosine residue is highly conserved and there is a large physicochemical difference between tyrosine and cysteine. This variant is not present in population databases (ExAC no frequency). This variant has not been reported in the literature in individuals with NPHP3-related conditions. In summary, the available evidence is currently insufficient to determine the role of this variant in disease. Therefore, it has been classified as a Variant of Uncertain Significance.